The following is an entry in ClinVar:

NM_001267550.2(TTN):c.84406G>A (p.Gly28136Arg)

Genes: TTN (titin; minus strand), TTN-AS1 (TTN antisense RNA 1; plus strand). Cytogenetic location: 2q31.2.
Variant type: single nucleotide variant.
Coding change: c.84406G>A on transcript NM_001267550.2 (MANE Select); coding-DNA position 84406, G replaced by A.
Protein change: p.Gly28136Arg; replaces glycine 28136 with arginine.
Molecular consequence: missense variant.
Genome position (GRCh38, 1-based): chr2:178,561,726, C>T on the plus strand (G>A on the coding strand, the complement: TTN is on the minus strand). VCF-style: chr2-178561726-C-T. GRCh37 (hg19) VCF-style: chr2-179426453-C-T.
Other names: c.79483G>A, p.Gly26495Arg (NM_001256850.1); c.57211G>A, p.Gly19071Arg (NM_003319.4); c.76702G>A, p.Gly25568Arg (NM_133378.4); c.57586G>A, p.Gly19196Arg (NM_133432.3); c.57787G>A, p.Gly19263Arg (NM_133437.4); short protein forms G25568R, G28136R, G19071R, G19263R, G26495R, G19196R.
Identifiers: ClinVar variation 263551 (VCV000263551.5), dbSNP rs879234686, ClinGen allele CA10587466.

ClinVar aggregate classification (germline): Uncertain significance. Review status: criteria provided, multiple submitters, no conflicts (2 of 4 stars). 2 submissions from 2 submitters: Uncertain significance (2). Last evaluated 2023-02-15.

Conditions:
Cardiovascular phenotype. Identifiers: MedGen CN230736.

Allele frequency attached by ClinVar (database versions not stated): gnomAD 0.00001; TOPMed 0.00002.
gnomAD v4.1: 2 of 1,611,902 alleles (0.00012%); highest among the groups gnomAD compares: African/African-American, 0.0027%; no homozygotes.

Submissions (2):

Revvity Omics, Revvity
Classification: Uncertain significance. Last evaluated: 2023-02-15. Review status: criteria provided, single submitter. Criteria: ACMG Guidelines, 2015. Collection method: clinical testing. Allele origin: germline.

Ambry Genetics
Classification: Uncertain significance for Cardiovascular phenotype. Last evaluated: 2013-03-01. Review status: criteria provided, single submitter. Criteria: Ambry Autosomal Dominant and X-Linked criteria (10/2015). Collection method: clinical testing. Allele origin: germline. Observed: 1 variant allele.
Comment: There is insufficient or conflicting evidence for classification of this alteration.